The following is an entry in ClinVar:

ClinVar aggregate classification (germline): Pathogenic (1 of 4 stars; one submission).

Conditions:
Deficiency of aromatic-L-amino-acid decarboxylase. Also called: Aromatic L-Amino Acid Decarboxylase Deficiency; AADC DEFICIENCY; DDC DEFICIENCY; DOPA DECARBOXYLASE DEFICIENCY; Aromatic amino acid decarboxylase deficiency. Identifiers: Orphanet 35708, MedGen C1291564, MONDO:0012084, OMIM 608643.

Submission:

Women's Health and Genetics/Laboratory Corporation of America, LabCorp
Classification: Pathogenic for Deficiency of aromatic-L-amino-acid decarboxylase. Last evaluated: 2024-10-16. Review status: criteria provided, single submitter. Criteria: LabCorp Variant Classification Summary - May 2015. Collection method: clinical testing. Allele origin: germline.
Comment: Variant summary: DDC c.208C>T (p.His70Tyr) results in a conservative amino acid change located in the Loop 1 domain (Himmelreich_2022) of the encoded protein sequence. Four of five in-silico tools predict a damaging effect of the variant on protein function. The variant was absent in 248376 control chromosomes (gnomAD). c.208C>T has been reported in the literature in multiple individuals affected with Deficiency Of Aromatic-L-Amino-Acid Decarboxylase (Gcyener_2014, Himmelreich_2023). These data indicate that the variant is very likely to be associated with disease. Multiple publications report experimental evidence evaluating an impact on protein function and this variant showed the reduction of the catalytic efficiency of DDC protein (Montioli_2014, Montioli_2020, Himmelreich_2022). The following publications have been ascertained in the context of this evaluation (PMID: 25024584, 36427457, 37348148, 31953134, 24865461). No submitters have cited clinical-significance assessments for this variant to ClinVar. Based on the evidence outlined above, the variant was classified as pathogenic.

Literature cited by the submitters: PubMed 31953134; PubMed 24865461; PubMed 36427457; PubMed 37348148; PubMed 25024584.

NM_001082971.2(DDC):c.208C>T (p.His70Tyr)

Genes: DDC (dopa decarboxylase; minus strand), DDC-AS1 (DDC antisense RNA 1; plus strand). Cytogenetic location: 7p12.1.
Variant type: single nucleotide variant.
Coding change: c.208C>T on transcript NM_001082971.2 (MANE Select); coding-DNA position 208, C replaced by T.
Protein change: p.His70Tyr; replaces histidine 70 with tyrosine.
Molecular consequence: missense variant. On other transcripts: non-coding transcript variant (1), intron variant (2).
Genome position (GRCh38, 1-based): chr7:50,540,022, G>A on the plus strand (C>T on the coding strand, the complement: DDC is on the minus strand). VCF-style: chr7-50540022-G-A. GRCh37 (hg19) VCF-style: chr7-50607720-G-A.
Other names: c.208C>T, p.His70Tyr (NM_000790.4, NM_001242887.2, NM_001242889.2 and 1 more transcripts); c.201+3863C>T (NM_001242888.2); c.202-2043C>T (NM_001242886.2); short protein forms H70Y.
Identifiers: ClinVar variation 3385264 (VCV003385264.1).
Genomic context (GRCh38, chr7:50,540,022, plus strand): 5'-GCATGGCCGGGTACGAGCTGGCAGTGGGGAAGTAGGCGAAGAAGTAGGGGCTGTGCCAGT[G>A]CGTCACCTGCATGGGAGGACAGAGCAGCTGCTGAGGAGTGAGGAAAGCCAGGCCTCAAGA-3'
Protein context (NP_001076440.2, residues 60-80): VEKIIMPGVT[His70Tyr]WHSPYFFAYF